The following is an entry in ClinVar:

ClinVar aggregate classification (germline): Uncertain significance (1 of 4 stars; one submission).

Conditions:
Hypertrophic cardiomyopathy. Also called: HYPERTROPHIC MYOCARDIOPATHY. Identifiers: Orphanet 217569, MedGen C0007194, MeSH D002312, MONDO:0005045, HP:0001639.

Submission:

Labcorp Genetics (formerly Invitae), Labcorp
Classification: Uncertain significance for Hypertrophic cardiomyopathy. Last evaluated: 2022-12-04. Review status: criteria provided, single submitter. Criteria: Invitae Variant Classification Sherloc (09022015). Collection method: clinical testing. Allele origin: germline.
Comment: This variant has not been reported in the literature in individuals affected with MYH7-related conditions. This variant is not present in population databases (gnomAD no frequency). This sequence change replaces isoleucine, which is neutral and non-polar, with phenylalanine, which is neutral and non-polar, at codon 674 of the MYH7 protein (p.Ile674Phe). ClinVar contains an entry for this variant (Variation ID: 1719530). In summary, the available evidence is currently insufficient to determine the role of this variant in disease. Therefore, it has been classified as a Variant of Uncertain Significance. Advanced modeling of protein sequence and biophysical properties (such as structural, functional, and spatial information, amino acid conservation, physicochemical variation, residue mobility, and thermodynamic stability) performed at Invitae indicates that this missense variant is expected to disrupt MYH7 protein function.

NM_000257.4(MYH7):c.2020A>T (p.Ile674Phe)

Gene: MYH7 (myosin heavy chain 7; minus strand). Cytogenetic location: 14q11.2.
Variant type: single nucleotide variant.
Coding change: c.2020A>T on transcript NM_000257.4 (MANE Select); coding-DNA position 2020, A replaced by T.
Protein change: p.Ile674Phe; replaces isoleucine 674 with phenylalanine.
Molecular consequence: missense variant.
Genome position (GRCh38, 1-based): chr14:23,426,801, T>A on the plus strand (A>T on the coding strand, the complement: MYH7 is on the minus strand). VCF-style: chr14-23426801-T-A. GRCh37 (hg19) VCF-style: chr14-23896010-T-A.
Other names: c.2020A>T, p.Ile674Phe (NM_001407004.1); short protein forms I674F.
Identifiers: ClinVar variation 1719530 (VCV001719530.5), dbSNP rs2502292417, ClinGen allele CA389049308.